The following is an entry in ClinVar:

NM_001166108.2(PALLD):c.829C>A (p.Leu277Met)

Gene: PALLD (palladin, cytoskeletal associated protein; plus strand). Cytogenetic location: 4q32.3.
Variant type: single nucleotide variant.
Coding change: c.829C>A on transcript NM_001166108.2 (MANE Select); coding-DNA position 829, C replaced by A.
Protein change: p.Leu277Met; replaces leucine 277 with methionine.
Molecular consequence: missense variant.
Genome position (GRCh38, 1-based): chr4:168,512,333, C>A. VCF-style: chr4-168512333-C-A. GRCh37 (hg19) VCF-style: chr4-169433484-C-A.
Other names: c.829C>A, p.Leu277Met (NM_016081.4); short protein forms L277M.
Identifiers: ClinVar variation 3413639 (VCV003413639.1).

ClinVar aggregate classification (germline): Uncertain significance (1 of 4 stars; one submission).

Submission:

Ambry Genetics
Classification: Uncertain significance. Last evaluated: 2024-10-11. Review status: criteria provided, single submitter. Criteria: Ambry Variant Classification Scheme 2023. Collection method: clinical testing. Allele origin: germline.
Comment: The p.L277M variant (also known as c.829C>A), located in coding exon 1 of the PALLD gene, results from a C to A substitution at nucleotide position 829. The leucine at codon 277 is replaced by methionine, an amino acid with highly similar properties. This amino acid position is conserved. In addition, this alteration is predicted to be tolerated by in silico analysis. Based on the available evidence, the clinical significance of this variant remains unclear.